The following is an entry in ClinVar:

ClinVar aggregate classification (germline): Uncertain significance (1 of 4 stars; one submission).

Conditions:
Developmental and epileptic encephalopathy, 36 (DEE36). Also called: Epileptic encephalopathy, early infantile, 36; Congenital disorder of glycosylation, type Is; ALG13-CDG. Identifiers: Orphanet 324422, MedGen C4317295, MONDO:0010472, OMIM 300884.

Submission:

Labcorp Genetics (formerly Invitae), Labcorp
Classification: Uncertain significance for Developmental and epileptic encephalopathy, 36. Last evaluated: 2026-01-25. Review status: criteria provided, single submitter. Criteria: Invitae Variant Classification Sherloc (09022015). Collection method: clinical testing. Allele origin: germline.
Comment: This sequence change replaces proline, which is neutral and non-polar, with histidine, which is basic and polar, at codon 936 of the ALG13 protein (p.Pro936His). This variant is not present in population databases (gnomAD no frequency). This variant has not been reported in the literature in individuals affected with ALG13-related conditions. Invitae Evidence Modeling of protein sequence and biophysical properties (such as structural, functional, and spatial information, amino acid conservation, physicochemical variation, residue mobility, and thermodynamic stability) indicates that this missense variant is not expected to disrupt ALG13 protein function with a negative predictive value of 95%. In summary, the available evidence is currently insufficient to determine the role of this variant in disease. Therefore, it has been classified as a Variant of Uncertain Significance.

NM_001099922.3(ALG13):c.2807C>A (p.Pro936His)

Gene: ALG13 (ALG13 UDP-N-acetylglucosaminyltransferase subunit; plus strand). Cytogenetic location: Xq23.
Variant type: single nucleotide variant.
Coding change: c.2807C>A on transcript NM_001099922.3 (MANE Select); coding-DNA position 2807, C replaced by A.
Protein change: p.Pro936His; replaces proline 936 with histidine.
Molecular consequence: missense variant. On other transcripts: intron variant (5).
Genome position (GRCh38, 1-based): chrX:111,744,779, C>A. VCF-style: chrX-111744779-C-A. GRCh37 (hg19) VCF-style: chrX-110988007-C-A.
Other names: c.2573C>A, p.Pro858His (NM_001257231.2); c.2383+7900C>A (NM_001257237.2, NM_001257234.2, NM_001257230.2); c.2209+7900C>A (NM_001324293.1); c.2695+7900C>A (NM_001324292.2); short protein forms P936H, P858H.
Identifiers: ClinVar variation 4764488 (VCV004764488.1).